The following is an entry in ClinVar:

ClinVar aggregate classification (germline): Uncertain significance (1 of 4 stars; one submission).

Submission:

Labcorp Genetics (formerly Invitae), Labcorp
Classification: Uncertain significance. Last evaluated: 2023-12-28. Review status: criteria provided, single submitter. Criteria: Invitae Variant Classification Sherloc (09022015). Collection method: clinical testing. Allele origin: germline.
Comment: This sequence change replaces lysine, which is basic and polar, with arginine, which is basic and polar, at codon 1823 of the CACNA1E protein (p.Lys1823Arg). This variant is not present in population databases (gnomAD no frequency). This variant has not been reported in the literature in individuals affected with CACNA1E-related conditions. An algorithm developed to predict the effect of missense changes on protein structure and function (PolyPhen-2) suggests that this variant is likely to be disruptive. In summary, the available evidence is currently insufficient to determine the role of this variant in disease. Therefore, it has been classified as a Variant of Uncertain Significance.

NM_001205293.3(CACNA1E):c.5468A>G (p.Lys1823Arg)

Gene: CACNA1E (calcium voltage-gated channel subunit alpha1 E; plus strand). Cytogenetic location: 1q25.3.
Variant type: single nucleotide variant.
Coding change: c.5468A>G on transcript NM_001205293.3 (MANE Select); coding-DNA position 5468, A replaced by G.
Protein change: p.Lys1823Arg; replaces lysine 1823 with arginine.
Molecular consequence: missense variant.
Genome position (GRCh38, 1-based): chr1:181,783,782, A>G. VCF-style: chr1-181783782-A-G. GRCh37 (hg19) VCF-style: chr1-181752918-A-G.
Other names: c.5468A>G, p.Lys1823Arg (NM_000721.4); c.5411A>G, p.Lys1804Arg (NM_001205294.2); short protein forms K1823R, K1804R.
Identifiers: ClinVar variation 2706020 (VCV002706020.3), dbSNP rs2529235463, ClinGen allele CA343630628.